The following is an entry in ClinVar:

ClinVar aggregate classification (germline): Uncertain significance. Review status: criteria provided, multiple submitters, no conflicts (2 of 4 stars). 3 submissions from 3 submitters: Uncertain significance (3). Last evaluated 2026-07-01.

Conditions:
Ciliary dyskinesia, primary, 37 (CILD37). Also called: CILIARY DYSKINESIA, PRIMARY, 37, WITH OR WITHOUT SITUS INVERSUS. Identifiers: MedGen C4539798, MONDO:0033204, OMIM 617577.
Spermatogenic failure 18. Identifiers: MedGen C4539783, MONDO:0054615, OMIM 617576.

gnomAD v4.1: 37 of 1,610,562 alleles (0.0023%); highest among the groups gnomAD compares: Admixed American, 0.0034%; no homozygotes.

Submissions (3):

CeGaT Center for Human Genetics Tuebingen
Classification: Uncertain significance. Last evaluated: 2026-07-01. Review status: criteria provided, single submitter. Criteria: CeGaT Center For Human Genetics Tuebingen Variant Classification Criteria Version 2. Collection method: clinical testing. Allele origin: germline. Affected: yes. Observed: 1 variant allele.
Comment: DNAH1: PM2

Fulgent Genetics
Classification: Uncertain significance for Spermatogenic failure 18; Ciliary dyskinesia, primary, 37. Last evaluated: 2022-04-12. Review status: criteria provided, single submitter. Criteria: ACMG Guidelines, 2015. Collection method: clinical testing. Allele origin: unknown.

Labcorp Genetics (formerly Invitae), Labcorp
Classification: Uncertain significance for Ciliary dyskinesia, primary, 37; Spermatogenic failure 18. Last evaluated: 2021-08-14. Review status: criteria provided, single submitter. Criteria: Invitae Variant Classification Sherloc (09022015). Collection method: clinical testing. Allele origin: germline.
Comment: This sequence change replaces arginine with glycine at codon 3169 of the DNAH1 protein (p.Arg3169Gly). The arginine residue is highly conserved and there is a moderate physicochemical difference between arginine and glycine. This variant is present in population databases (rs185305129, ExAC 0.002%). This variant has been observed in individual(s) with multiple morphological abnormalities of the sperm flagella (PMID: 29449551). Algorithms developed to predict the effect of missense changes on protein structure and function are either unavailable or do not agree on the potential impact of this missense change (SIFT: "Deleterious"; PolyPhen-2: "Probably Damaging"; Align-GVGD: "Class C0"). In summary, the available evidence is currently insufficient to determine the role of this variant in disease. Therefore, it has been classified as a Variant of Uncertain Significance.

Literature cited by the submitters: PubMed 29449551 (cited by Labcorp Genetics (formerly Invitae), Labcorp).

NM_015512.5(DNAH1):c.9505C>G (p.Arg3169Gly)

Gene: DNAH1 (dynein axonemal heavy chain 1; plus strand). Cytogenetic location: 3p21.1.
Variant type: single nucleotide variant.
Coding change: c.9505C>G on transcript NM_015512.5 (MANE Select); coding-DNA position 9505, C replaced by G.
Protein change: p.Arg3169Gly; replaces arginine 3169 with glycine.
Molecular consequence: missense variant.
Genome position (GRCh38, 1-based): chr3:52,389,470, C>G. VCF-style: chr3-52389470-C-G. GRCh37 (hg19) VCF-style: chr3-52423486-C-G.
Other names: short protein forms R3169G.
Identifiers: ClinVar variation 1359001 (VCV001359001.7), dbSNP rs185305129, ClinGen allele CA2435556.